The following is an entry in ClinVar:

NM_001376.5(DYNC1H1):c.4170G>T (p.Leu1390=)

Gene: DYNC1H1 (dynein cytoplasmic 1 heavy chain 1; plus strand). Cytogenetic location: 14q32.31.
Variant type: single nucleotide variant.
Coding change: c.4170G>T on transcript NM_001376.5 (MANE Select); coding-DNA position 4170, G replaced by T.
Protein change: p.Leu1390=; no amino-acid change (leucine 1390 retained).
Molecular consequence: synonymous variant.
Genome position (GRCh38, 1-based): chr14:102,001,049, G>T. VCF-style: chr14-102001049-G-T. GRCh37 (hg19) VCF-style: chr14-102467386-G-T.
Identifiers: ClinVar variation 379726 (VCV000379726.9), dbSNP rs373442382, ClinGen allele CA7352180.

ClinVar aggregate classification (germline): Likely benign. Review status: criteria provided, multiple submitters, no conflicts (2 of 4 stars). 2 submissions from 2 submitters: Likely benign (2). Last evaluated 2024-12-16.

Conditions:
Charcot-Marie-Tooth disease axonal type 2O. Also called: Charcot-Marie-Tooth Neuropathy Type 2O; CHARCOT-MARIE-TOOTH NEUROPATHY, AXONAL, TYPE 2O; CHARCOT-MARIE-TOOTH DISEASE, AXONAL, AUTOSOMAL DOMINANT, TYPE 2O; Charcot-Marie-Tooth disease, axonal, type 20. Identifiers: Orphanet 284232, MedGen C3280220, MONDO:0013644, OMIM 614228.

Allele frequency attached by ClinVar (database versions not stated): gnomAD exomes 0.00001 and below 0.00001; 1000 Genomes Project 30x 0.00031; TOPMed 0.00005; 1000 Genomes Project 0.00020; ExAC 0.00002; gnomAD 0.00007 and 0.00006; ESP Exome Variant Server 0.00008.
gnomAD v4.1: 13 of 1,614,188 alleles (0.00081%); highest among the groups gnomAD compares: African/African-American, 0.015%; no homozygotes.

Submissions (2):

Labcorp Genetics (formerly Invitae), Labcorp
Classification: Likely benign for Charcot-Marie-Tooth disease axonal type 2O. Last evaluated: 2024-12-16. Review status: criteria provided, single submitter. Criteria: Invitae Variant Classification Sherloc (09022015). Collection method: clinical testing. Allele origin: germline.

GeneDx
Classification: Likely benign. Last evaluated: 2016-03-25. Review status: criteria provided, single submitter. Criteria: GeneDx Variant Classification (06012015). Collection method: clinical testing. Allele origin: germline. Affected: yes.
Comment: This variant is considered likely benign or benign based on one or more of the following criteria: it is a conservative change, it occurs at a poorly conserved position in the protein, it is predicted to be benign by multiple in silico algorithms, and/or has population frequency not consistent with disease.